The following is an entry in ClinVar:

NM_001558.4(IL10RA):c.44T>C (p.Leu15Pro)

Gene: IL10RA (interleukin 10 receptor subunit alpha; plus strand). Cytogenetic location: 11q23.3.
Variant type: single nucleotide variant.
Coding change: c.44T>C on transcript NM_001558.4 (MANE Select); coding-DNA position 44, T replaced by C.
Protein change: p.Leu15Pro; replaces leucine 15 with proline.
Molecular consequence: missense variant. On other transcripts: non-coding transcript variant (1).
Genome position (GRCh38, 1-based): chr11:117,986,511, T>C. VCF-style: chr11-117986511-T-C. GRCh37 (hg19) VCF-style: chr11-117857226-T-C.
Other names: short protein forms L15P.
Identifiers: ClinVar variation 2067210 (VCV002067210.4), dbSNP rs1452066804, ClinGen allele CA382771999.

ClinVar aggregate classification (germline): Uncertain significance (1 of 4 stars; one submission).

Conditions:
Inflammatory bowel disease 28. Also called: Inflammatory bowel disease 28, early onset, autosomal recessive. Identifiers: Orphanet 238569, MedGen C2751053, MONDO:0013153, OMIM 613148.

Allele frequency attached by ClinVar (database versions not stated): TOPMed below 0.00001.
gnomAD v4.1: 54 of 1,555,974 alleles (0.0035%); highest among the groups gnomAD compares: Non-Finnish European, 0.0045%; no homozygotes.

Submission:

Labcorp Genetics (formerly Invitae), Labcorp
Classification: Uncertain significance for Inflammatory bowel disease 28. Last evaluated: 2025-10-03. Review status: criteria provided, single submitter. Criteria: Invitae Variant Classification Sherloc (09022015). Collection method: clinical testing. Allele origin: germline.
Comment: This sequence change replaces leucine, which is neutral and non-polar, with proline, which is neutral and non-polar, at codon 15 of the IL10RA protein (p.Leu15Pro). This variant is present in population databases (no rsID available, gnomAD 0.01%). This variant has not been reported in the literature in individuals affected with IL10RA-related conditions. ClinVar contains an entry for this variant (Variation ID: 2067210). Invitae Evidence Modeling of protein sequence and biophysical properties (such as structural, functional, and spatial information, amino acid conservation, physicochemical variation, residue mobility, and thermodynamic stability) indicates that this missense variant is not expected to disrupt IL10RA protein function with a negative predictive value of 80%. In summary, the available evidence is currently insufficient to determine the role of this variant in disease. Therefore, it has been classified as a Variant of Uncertain Significance.